The following is an entry in ClinVar:

NM_000252.3(MTM1):c.232-147G>C

Gene: MTM1 (myotubularin 1; plus strand). Cytogenetic location: Xq28.
Variant type: single nucleotide variant.
Coding change: c.232-147G>C on transcript NM_000252.3 (MANE Select); 147 bases into the intron before coding-DNA position 232, G replaced by C.
Molecular consequence: intron variant.
Genome position (GRCh38, 1-based): chrX:150,614,442, G>C. VCF-style: chrX-150614442-G-C. GRCh37 (hg19) VCF-style: chrX-149782915-G-C.
Other names: c.232-147G>C (NM_001376908.1, NM_001376906.1); c.232-4596G>C (NM_001376907.1).
Identifiers: ClinVar variation 683194 (VCV000683194.1), dbSNP rs10521888, ClinGen allele CA337090980.
Genomic context (GRCh38, chrX:150,614,442, plus strand): 5'-CAAATGTTTGGGGATGCATTTTGATTGCATAATTGACTGTTTTAATGCTTGCTCTGTCAT[G>C]TGTGATCTGTATCATATTTTTGTTCATAAAGTGCTAAAAGGGCCAAGGTAAAATCACTCT-3'

ClinVar aggregate classification (germline): Benign (1 of 4 stars; one submission).

Allele frequency attached by ClinVar (database versions not stated): gnomAD exomes 0.08602; gnomAD 0.12286 and 0.12583; 1000 Genomes Project 0.13139; TOPMed 0.13236; 1000 Genomes Project 30x 0.13528.
gnomAD v4.1: 44,903 of 474,795 alleles (9.5%); highest among the groups gnomAD compares: African/African-American, 23%; 1,849 homozygotes.

Submission:

GeneDx
Classification: Benign. Last evaluated: 2018-06-19. Review status: criteria provided, single submitter. Criteria: GeneDx Variant Classification (06012015). Collection method: clinical testing. Allele origin: germline. Affected: yes.
Comment: This variant is considered likely benign or benign based on one or more of the following criteria: it is a conservative change, it occurs at a poorly conserved position in the protein, it is predicted to be benign by multiple in silico algorithms, and/or has population frequency not consistent with disease.